The following is an entry in ClinVar:

ClinVar aggregate classification (germline): Uncertain significance. Review status: criteria provided, multiple submitters, no conflicts (2 of 4 stars). 3 submissions from 3 submitters: Uncertain significance (3). Last evaluated 2023-11-15.

Conditions:
Hereditary cancer-predisposing syndrome. Also called: Tumor predisposition; Hereditary Cancer Syndrome; Neoplastic Syndromes, Hereditary; Hereditary neoplastic syndrome. Identifiers: Orphanet 140162, MedGen C0027672, MeSH D009386, MONDO:0015356.
Gorlin syndrome. Also called: Basal cell nevus syndrome; Nevoid Basal Cell Carcinoma Syndrome. Identifiers: Orphanet 377, MedGen C0004779, MONDO:0007187.

Allele frequency attached by ClinVar (database versions not stated): gnomAD exomes below 0.00001 and 0.00001.
gnomAD v4.1: 3 of 1,614,108 alleles (0.00019%); highest among the groups gnomAD compares: Non-Finnish European, 0.00025%; no homozygotes.

Submissions (3):

GeneDx
Classification: Uncertain significance. Last evaluated: 2023-11-15. Review status: criteria provided, single submitter. Criteria: GeneDx Variant Classification Process June 2021. Collection method: clinical testing. Allele origin: germline. Affected: yes.
Comment: Not observed at significant frequency in large population cohorts (gnomAD); In silico analysis supports that this missense variant does not alter protein structure/function; Has not been previously published as pathogenic or benign to our knowledge

Labcorp Genetics (formerly Invitae), Labcorp
Classification: Uncertain significance for Gorlin syndrome. Last evaluated: 2022-12-26. Review status: criteria provided, single submitter. Criteria: Invitae Variant Classification Sherloc (09022015). Collection method: clinical testing. Allele origin: germline.
Comment: In summary, the available evidence is currently insufficient to determine the role of this variant in disease. Therefore, it has been classified as a Variant of Uncertain Significance. Advanced modeling of protein sequence and biophysical properties (such as structural, functional, and spatial information, amino acid conservation, physicochemical variation, residue mobility, and thermodynamic stability) performed at Invitae indicates that this missense variant is not expected to disrupt PTCH1 protein function. ClinVar contains an entry for this variant (Variation ID: 453890). This variant has not been reported in the literature in individuals affected with PTCH1-related conditions. This variant is present in population databases (no rsID available, gnomAD 0.0009%). This sequence change replaces arginine, which is basic and polar, with glycine, which is neutral and non-polar, at codon 1422 of the PTCH1 protein (p.Arg1422Gly).

Ambry Genetics
Classification: Uncertain significance for Hereditary cancer-predisposing syndrome. Last evaluated: 2022-12-04. Review status: criteria provided, single submitter. Criteria: Ambry Variant Classification Scheme 2023. Collection method: clinical testing. Allele origin: germline.
Comment: The p.R1422G variant (also known as c.4264A>G), located in coding exon 23 of the PTCH1 gene, results from an A to G substitution at nucleotide position 4264. The arginine at codon 1422 is replaced by glycine, an amino acid with dissimilar properties. This amino acid position is conserved. In addition, the in silico prediction for this alteration is inconclusive. Since supporting evidence is limited at this time, the clinical significance of this alteration remains unclear.

NM_000264.5(PTCH1):c.4264A>G (p.Arg1422Gly)

Gene: PTCH1 (patched 1; minus strand). Cytogenetic location: 9q22.32.
Variant type: single nucleotide variant.
Coding change: c.4264A>G on transcript NM_000264.5 (MANE Select); coding-DNA position 4264, A replaced by G.
Protein change: p.Arg1422Gly; replaces arginine 1422 with glycine.
Molecular consequence: missense variant. On other transcripts: non-coding transcript variant (1).
Genome position (GRCh38, 1-based): chr9:95,446,992, T>C on the plus strand (A>G on the coding strand, the complement: PTCH1 is on the minus strand). VCF-style: chr9-95446992-T-C. GRCh37 (hg19) VCF-style: chr9-98209274-T-C.
Other names: c.4261A>G, p.Arg1421Gly (NM_001083603.3); c.3811A>G, p.Arg1271Gly (NM_001083604.3, NM_001083605.3, NM_001083606.3 and 1 more transcripts); c.4108A>G, p.Arg1370Gly (NM_001354918.2); c.4066A>G, p.Arg1356Gly (NM_001083602.3); short protein forms R1356G, R1422G, R1421G, R1271G, R1370G.
Identifiers: ClinVar variation 453890 (VCV000453890.11), dbSNP rs1246323077, ClinGen allele CA374110003.
Genomic context (GRCh38, chr9:95,446,992, plus strand): 5'-GGGGCCTCTCCTCGCATTCCACGTCCTGCAGCTCAATGACTTCCACCTTCGAATCCCTCC[T>C]CTCACACCGGACGTGGAAAGGCACGTGGGGGTCCTCAAACAGGCCGTGGTCAGTCTCAGG-3'
Protein context (NP_000255.2, residues 1412-1432): PHVPFHVRCE[Arg1422Gly]RDSKVEVIEL